The following is an entry in ClinVar:

NM_004183.4(BEST1):c.948+1del

Gene: BEST1 (bestrophin 1; plus strand). Cytogenetic location: 11q12.3.
Variant type: Deletion.
Coding change: c.948+1del on transcript NM_004183.4 (MANE Select); the canonical splice donor site of the intron after coding-DNA position 948, one base deleted (G; older notation c.948+1delG).
Molecular consequence: splice donor variant. On other transcripts: intron variant (4).
Genome position (GRCh38, 1-based): chr11:61,959,579, G deleted; the last of 2 consecutive G bases (chr11:61,959,578-61,959,579); deleting either gives the same sequence. VCF-style (leftmost placement, unchanged base first): chr11-61959577-AG-A. GRCh37 (hg19) VCF-style: chr11-61727049-AG-A.
Other names: c.1151+1del (NM_001363592.2); c.948+1del (NM_001440571.1); c.868-313del (NM_001440572.1); c.795+1del (NM_001440573.1); c.768+1del (NM_001139443.3, NM_001300787.2); c.688-313del (NM_001440574.1, NM_001300786.2); c.615+1del (NM_001440575.1); c.535-313del (NM_001440576.1); and 2 more.
Identifiers: ClinVar variation 3776134 (VCV003776134.2).

ClinVar aggregate classification (germline): Pathogenic/Likely pathogenic. Review status: criteria provided, multiple submitters, no conflicts (2 of 4 stars). 2 submissions from 2 submitters: Pathogenic (1); Likely pathogenic (1). Last evaluated 2024-01-11.

Conditions:
Autosomal recessive bestrophinopathy. Also called: Autosomal Recessive Bestrophinopathy (ARB). Identifiers: Orphanet 139455, MedGen C3888198, MONDO:0012733, OMIM 611809.
BEST1-related disorder. Also called: BEST1-related condition; BEST1-related disorders. Identifiers: MedGen CN239200.

Submissions (2):

3billion
Classification: Pathogenic for Autosomal recessive bestrophinopathy. Last evaluated: 2024-01-11. Review status: criteria provided, single submitter. Criteria: ACMG Guidelines, 2015. Collection method: clinical testing. Allele origin: germline. Affected: yes.
Comment: The variant is not observed in the gnomAD v2.1.1 dataset. Predicted Consequence/Location: Frameshift: predicted to result in a loss or disruption of normal protein function through nonsense-mediated decay (NMD) or protein truncation. Multiple pathogenic variants are reported downstream of the variant. The variant has been reported to be associated with BEST1 related disorder (PMID: 27163236). Therefore, this variant is classified as Pathogenic according to the recommendation of ACMG/AMP guideline.

Blueprint Genetics
Classification: Likely pathogenic for BEST1-related disorders. Last evaluated: 2019-01-24. Review status: criteria provided, single submitter. Criteria: ACMG Guidelines, 2015. Collection method: clinical testing. Allele origin: germline. Affected: yes. Observed: 1 variant allele.

Literature cited by the submitters: PubMed 27163236 (cited by 3billion).